The following is an entry in ClinVar:

NM_001134407.3(GRIN2A):c.883G>C (p.Gly295Arg)

Gene: GRIN2A (glutamate ionotropic receptor NMDA type subunit 2A; minus strand). Cytogenetic location: 16p13.2.
Variant type: single nucleotide variant.
Coding change: c.883G>C on transcript NM_001134407.3 (MANE Select); coding-DNA position 883, G replaced by C.
Protein change: p.Gly295Arg; replaces glycine 295 with arginine.
Molecular consequence: missense variant.
Genome position (GRCh38, 1-based): chr16:9,938,083, C>G on the plus strand (G>C on the coding strand, the complement: GRIN2A is on the minus strand). VCF-style: chr16-9938083-C-G. GRCh37 (hg19) VCF-style: chr16-10031940-C-G.
Other names: c.883G>C, p.Gly295Arg (NM_000833.5, NM_001134408.2); c.883G>C (NM_000833.3); short protein forms G295R.
Identifiers: ClinVar variation 951322 (VCV000951322.6), dbSNP rs568484876, ClinGen allele CA394798288.
Genomic context (GRCh38, chr16:9,938,083, plus strand): 5'-CGGGGATGTAGGAGAACTTCTCCAGCATAGAAGATGCAGCGGTGGTTAGGATGCCAATGC[C>G]GTCCCTCACTCTCGCCTCCAGGCTGTAGTCCCAGTCATCGTAGGAGACAGAAATGAGTCC-3'
Protein context (NP_001127879.1, residues 285-305): DYSLEARVRD[Gly295Arg]IGILTTAASS

ClinVar aggregate classification (germline): Uncertain significance. Review status: criteria provided, multiple submitters, no conflicts (2 of 4 stars). 2 submissions from 2 submitters: Uncertain significance (2). Last evaluated 2024-06-26.

Conditions:
Landau-Kleffner syndrome (FESD). Also called: EPILEPSY, FOCAL, WITH SPEECH DISORDER AND WITH OR WITHOUT MENTAL RETARDATION; APHASIA, ACQUIRED, WITH EPILEPSY. Identifiers: Orphanet 1945, Orphanet 725, Orphanet 98818, MedGen C0282512, MONDO:0009509, OMIM 245570.

Submissions (2):

GeneDx
Classification: Uncertain significance. Last evaluated: 2024-06-26. Review status: criteria provided, single submitter. Criteria: GeneDx Variant Classification Process June 2021. Collection method: clinical testing. Allele origin: germline. Affected: yes.
Comment: Not observed at significant frequency in large population cohorts (gnomAD); In silico analysis supports that this missense variant has a deleterious effect on protein structure/function; Has not been previously published as pathogenic or benign to our knowledge

Labcorp Genetics (formerly Invitae), Labcorp
Classification: Uncertain significance for Landau-Kleffner syndrome. Last evaluated: 2021-08-13. Review status: criteria provided, single submitter. Criteria: Invitae Variant Classification Sherloc (09022015). Collection method: clinical testing. Allele origin: germline.